The following is an entry in ClinVar:

NM_013447.4(ADGRE2):c.1640C>T (p.Ser547Phe)

Gene: ADGRE2 (adhesion G protein-coupled receptor E2; minus strand). Cytogenetic location: 19p13.12.
Variant type: single nucleotide variant.
Coding change: c.1640C>T on transcript NM_013447.4 (MANE Select); coding-DNA position 1640, C replaced by T.
Protein change: p.Ser547Phe; replaces serine 547 with phenylalanine.
Molecular consequence: missense variant.
Genome position (GRCh38, 1-based): chr19:14,752,477, G>A on the plus strand (C>T on the coding strand, the complement: ADGRE2 is on the minus strand). VCF-style: chr19-14752477-G-A. GRCh37 (hg19) VCF-style: chr19-14863289-G-A.
Other names: c.1466C>T, p.Ser489Phe (NM_001271052.1); c.1493C>T, p.Ser498Phe (NM_152916.2); c.1361C>T, p.Ser454Phe (NM_152917.2); c.1640C>T (NM_013447.2); short protein forms S547F, S498F, S454F, S489F.
Identifiers: ClinVar variation 2154124 (VCV002154124.5), dbSNP rs771056442, ClinGen allele CA9257648.

ClinVar aggregate classification (germline): Uncertain significance. Review status: criteria provided, multiple submitters, no conflicts (2 of 4 stars). 2 submissions from 2 submitters: Uncertain significance (2). Last evaluated 2026-01-08.

Allele frequency attached by ClinVar (database versions not stated): gnomAD 0.00003; TOPMed 0.00004; gnomAD exomes 0.00010; ExAC 0.00014.
gnomAD v4.1: 67 of 1,614,146 alleles (0.0042%); highest among the groups gnomAD compares: Admixed American, 0.11%; no homozygotes.

Submissions (2):

Labcorp Genetics (formerly Invitae), Labcorp
Classification: Uncertain significance. Last evaluated: 2026-01-08. Review status: criteria provided, single submitter. Criteria: Invitae Variant Classification Sherloc (09022015). Collection method: clinical testing. Allele origin: germline.
Comment: This sequence change replaces serine, which is neutral and polar, with phenylalanine, which is neutral and non-polar, at codon 547 of the ADGRE2 protein (p.Ser547Phe). This variant is present in population databases (rs771056442, gnomAD 0.2%), and has an allele count higher than expected for a pathogenic variant. This variant has not been reported in the literature in individuals affected with ADGRE2-related conditions. ClinVar contains an entry for this variant (Variation ID: 2154124). An algorithm developed to predict the effect of missense changes on protein structure and function (PolyPhen-2) suggests that this variant is likely to be disruptive. In summary, the available evidence is currently insufficient to determine the role of this variant in disease. Therefore, it has been classified as a Variant of Uncertain Significance.

Ambry Genetics
Classification: Uncertain significance. Last evaluated: 2021-08-28. Review status: criteria provided, single submitter. Criteria: Ambry Variant Classification Scheme 2023. Collection method: clinical testing. Allele origin: germline.